The following is an entry in ClinVar:

NM_015443.4(KANSL1):c.1035G>A (p.Met345Ile)

Gene: KANSL1 (KAT8 regulatory NSL complex subunit 1). Cytogenetic location: 17q21.31.
Variant type: single nucleotide variant.
Coding change: c.1035G>A on transcript NM_015443.4 (MANE Select); coding-DNA position 1035, G replaced by A.
Protein change: p.Met345Ile; replaces methionine 345 with isoleucine.
Molecular consequence: missense variant. On other transcripts: intron variant (4).
Genome position (GRCh38, 1-based): chr17:46,171,109, C>T on the plus strand (G>A on the coding strand, the complement: KANSL1 is on the minus strand). VCF-style: chr17-46171109-C-T. GRCh37 (hg19) VCF-style: chr17-44248475-C-T.
Other names: c.1035G>A, p.Met345Ile (NM_001405873.1, NM_001405874.1, NM_001405875.1 and 18 more transcripts); c.23+52562G>A (NM_001405885.1, NM_001405884.1, NM_001405883.1 and 1 more transcripts); short protein forms M345I.
Identifiers: ClinVar variation 4883468 (VCV004883468.2).

ClinVar aggregate classification (germline): Uncertain significance (1 of 4 stars; one submission).

Submission:

Dasa
Classification: Uncertain significance. Last evaluated: 2025-05-18. Review status: criteria provided, single submitter. Criteria: DASA Assertion Criteria. Collection method: clinical testing. Allele origin: germline.
Comment: NM_015443.4(KANSL1):c.1035G>A (p.Met345Ile) is a missense variant that results in the substitution of methionine with isoleucine. This variant is absent from population databases. Computational prediction algorithms are consistent with a benign effect. The currently available literature and clinical evidence are not sufficient to establish a definitive association between this variant and the reported condition. Therefore, this variant is classified as a variant of uncertain significance.